The following is an entry in ClinVar:

ClinVar aggregate classification (germline): Uncertain significance (1 of 4 stars; one submission).

Conditions:
Ichthyosis linearis circumflexa. Identifiers: MedGen C0265962, MONDO:0043106, HP:0025810.

gnomAD v4.1: 22 of 1,614,018 alleles (0.0014%); highest among the groups gnomAD compares: Non-Finnish European, 0.0017%; no homozygotes.

Submission:

Labcorp Genetics (formerly Invitae), Labcorp
Classification: Uncertain significance for Ichthyosis linearis circumflexa. Last evaluated: 2025-06-17. Review status: criteria provided, single submitter. Criteria: Invitae Variant Classification Sherloc (09022015). Collection method: clinical testing. Allele origin: germline.
Comment: This sequence change replaces histidine, which is basic and polar, with glutamine, which is neutral and polar, at codon 596 of the SPINK5 protein (p.His596Gln). This variant is present in population databases (rs144664803, gnomAD 0.01%). This variant has not been reported in the literature in individuals affected with SPINK5-related conditions. ClinVar contains an entry for this variant (Variation ID: 1510025). Invitae Evidence Modeling of protein sequence and biophysical properties (such as structural, functional, and spatial information, amino acid conservation, physicochemical variation, residue mobility, and thermodynamic stability) has been performed for this missense variant. However, the output from this modeling did not meet the statistical confidence thresholds required to predict the impact of this variant on SPINK5 protein function. In summary, the available evidence is currently insufficient to determine the role of this variant in disease. Therefore, it has been classified as a Variant of Uncertain Significance.

NM_006846.4(SPINK5):c.1788C>G (p.His596Gln)

Gene: SPINK5 (serine peptidase inhibitor Kazal type 5; plus strand). Cytogenetic location: 5q32.
Variant type: single nucleotide variant.
Coding change: c.1788C>G on transcript NM_006846.4 (MANE Select); coding-DNA position 1788, C replaced by G.
Protein change: p.His596Gln; replaces histidine 596 with glutamine.
Molecular consequence: missense variant.
Genome position (GRCh38, 1-based): chr5:148,111,863, C>G. VCF-style: chr5-148111863-C-G. GRCh37 (hg19) VCF-style: chr5-147491426-C-G.
Other names: c.1788C>G, p.His596Gln (NM_001127698.2, NM_001127699.2); short protein forms H596Q.
Identifiers: ClinVar variation 1510025 (VCV001510025.8), dbSNP rs144664803, ClinGen allele CA3495733.